The following is an entry in ClinVar:

NM_017739.4(POMGNT1):c.1895C>G (p.Ser632Ter)

Genes: POMGNT1 (protein O-linked mannose N-acetylglucosaminyltransferase 1 (beta 1,2-); minus strand), TSPAN1 (tetraspanin 1; plus strand). Cytogenetic location: 1p34.1.
Variant type: single nucleotide variant.
Coding change: c.1895C>G on transcript NM_017739.4 (MANE Select); coding-DNA position 1895, C replaced by G.
Protein change: p.Ser632Ter; replaces serine 632 with a stop codon.
Molecular consequence: nonsense. On other transcripts: missense variant (1), intron variant (1).
Genome position (GRCh38, 1-based): chr1:46,189,458, G>C on the plus strand (C>G on the coding strand, the complement: POMGNT1 is on the minus strand). VCF-style: chr1-46189458-G-C. GRCh37 (hg19) VCF-style: chr1-46655130-G-C.
Other names: NM_017739.4(POMGNT1):c.1895C>G; p.Ser632Ter; c.1829C>G, p.Ser610Ter (NM_001290129.3); c.1466C>G, p.Ser489Ter (NM_001290130.2); c.1895C>G, p.Ser632Trp (NM_001410783.1); c.1869+26C>G (NM_001243766.2); short protein forms S632*, S489*, S610*, S632W.
Identifiers: ClinVar variation 280928 (VCV000280928.5), dbSNP rs200471699, ClinGen allele CA10602829.

ClinVar aggregate classification (germline): Conflicting classifications of pathogenicity. Review status: criteria provided, conflicting classifications (1 of 4 stars). 3 submissions from 3 submitters: Pathogenic (1); Uncertain significance (2). Last evaluated 2025-04-29.

Conditions:
Muscular dystrophy-dystroglycanopathy. Also called: Congenital muscular dystrophy due to dystroglycanopathy. Identifiers: Orphanet 370953, MedGen C5679911, MONDO:0018276.
Muscular dystrophy-dystroglycanopathy (congenital with impaired intellectual development), type B, 3. Also called: Muscular dystrophy-dystroglycanopathy (congenital with intellectual disability), type B3; MUSCULAR DYSTROPHY, CONGENITAL, POMGNT1-RELATED. Identifiers: MedGen C3150412, MONDO:0013155, OMIM 613151.
Autosomal recessive limb-girdle muscular dystrophy type 2O. Also called: MUSCULAR DYSTROPHY-DYSTROGLYCANOPATHY, LIMB-GIRDLE, POMGNT1-RELATED; Limb-Girdle Muscular Dystrophy Type 3C; MUSCULAR DYSTROPHY-DYSTROGLYCANOPATHY (LIMB-GIRDLE), TYPE C, 3. Identifiers: Orphanet 206564, MedGen C3150417, MONDO:0013161, OMIM 613157.

gnomAD v4.1: 16 of 1,613,574 alleles (0.00099%); highest among the groups gnomAD compares: Non-Finnish European, 0.0014%; no homozygotes.

Submissions (3):

Broad Center for Mendelian Genomics, Broad Institute of MIT and Harvard
Classification: Uncertain significance for Muscular dystrophy-dystroglycanopathy. Last evaluated: 2025-04-29. Review status: criteria provided, single submitter. Criteria: ACMG Guidelines, 2015. Collection method: curation. Allele origin: germline. Inheritance: Autosomal recessive inheritance.
Comment: The p.Ser632Ter variant in POMGNT1 has not been previously reported in the literature in individuals with POMGNT1-associated muscular dystrophy-dystroglycanopathy, but has been identified in 0.001% (16/1179748) of European (non-Finnish) chromosomes by the Genome Aggregation Database (gnomAD; dbSNP ID: rs200471699). Although this variant has been seen in the general population in a heterozygous state, its frequency is low enough to be consistent with a recessive carrier frequency. This variant has also been reported in ClinVar (VCV000280928.4) as pathogenic by GeneDx and as a variant of uncertain significance by Labcorp Genetics (formerly Invitae). This nonsense variant leads to a premature termination codon at position 632. This alteration occurs within the terminal 50 bases of the second to last exon and is more likely to escape nonsense mediated decay (NMD) and result in a truncated protein. Loss of function of the POMGNT1 gene is an established disease mechanism in autosomal recessive POMGNT1-associated muscular dystrophy-dystroglycanopathy. In summary, the clinical significance of the p.Ser632Ter variant is uncertain. ACMG/AMP Criteria applied: PVS1_moderate, PM2_Supporting (Richards 2015).

Labcorp Genetics (formerly Invitae), Labcorp
Classification: Uncertain significance for Autosomal recessive limb-girdle muscular dystrophy type 2O; Muscular dystrophy-dystroglycanopathy (congenital with impaired intellectual development), type B, 3. Last evaluated: 2022-09-13. Review status: criteria provided, single submitter. Criteria: Invitae Variant Classification Sherloc (09022015). Collection method: clinical testing. Allele origin: germline.
Comment: This sequence change creates a premature translational stop signal (p.Ser632*) in the POMGNT1 gene. While this is not anticipated to result in nonsense mediated decay, it is expected to disrupt the last 29 amino acid(s) of the POMGNT1 protein. This variant is not present in population databases (gnomAD no frequency). This variant has not been reported in the literature in individuals affected with POMGNT1-related conditions. ClinVar contains an entry for this variant (Variation ID: 280928). Algorithms developed to predict the effect of sequence changes on RNA splicing suggest that this variant may disrupt the consensus splice site. In summary, the available evidence is currently insufficient to determine the role of this variant in disease. Therefore, it has been classified as a Variant of Uncertain Significance.

GeneDx
Classification: Pathogenic. Last evaluated: 2016-10-17. Review status: criteria provided, single submitter. Criteria: GeneDx Variant Classification (06012015). Collection method: clinical testing. Allele origin: germline. Affected: yes.
Comment: The S632X variant in the POMGNT1 gene has not been reported previously as a pathogenic variant nor as a benign variant, to our knowledge. This variant is predicted to cause loss of normal protein function through protein truncation, as the last 29 amino acids of the protein are lost. The S632X variant was not observed in approximately 6500 individuals of European and African American ancestry in the NHLBI Exome Sequencing Project, indicating it is not a common benign variant in these populations. We interpret S632X as a pathogenic variant.